The following is an entry in ClinVar:

ClinVar aggregate classification (germline): Pathogenic. Review status: reviewed by expert panel (3 of 4 stars). 5 submissions from 5 submitters: Pathogenic (1). 4 of the submissions do not count toward it. Last evaluated 2016-09-08.

Conditions:
Hereditary cancer-predisposing syndrome. Also called: Hereditary Cancer Syndrome; Neoplastic Syndromes, Hereditary; Hereditary neoplastic syndrome; Tumor predisposition. Identifiers: Orphanet 140162, MedGen C0027672, MeSH D009386, MONDO:0015356.
Hereditary breast ovarian cancer syndrome. Also called: Breast and ovarian cancer; Hereditary breast and/or ovarian cancer syndrome; Hereditary breast and ovarian cancer; Hereditary breast and ovarian cancer syndrome; Hereditary breast and ovarian cancer syndrome (HBOC); BRCA1- and BRCA2-Associated Hereditary Breast and Ovarian Cancer. Identifiers: Orphanet 145, MedGen C0677776, MeSH D061325, MONDO:0003582. Disease mechanism: loss of function.
Breast-ovarian cancer, familial, susceptibility to, 2 (BROVCA2). Also called: BRCA2 Hereditary Breast and Ovarian Cancer. Identifiers: Orphanet 145, MedGen C2675520, MONDO:0012933, OMIM 612555. Disease mechanism: loss of function.

Submissions (5):

Evidence-based Network for the Interpretation of Germline Mutant Alleles (ENIGMA)
Classification: Pathogenic for Breast-ovarian cancer, familial, susceptibility to, 2. Last evaluated: 2016-09-08. Review status: reviewed by expert panel. Criteria: ENIGMA BRCA1/2 Classification Criteria (2015). Collection method: curation. Allele origin: germline.
Comment: Variant allele predicted to encode a truncated non-functional protein.

Labcorp Genetics (formerly Invitae), Labcorp
Classification: Pathogenic for Hereditary breast ovarian cancer syndrome. Last evaluated: 2025-08-18. Review status: criteria provided, single submitter. Criteria: Invitae Variant Classification Sherloc (09022015). Collection method: clinical testing. Allele origin: germline. Not counted in ClinVar's aggregate classification.
Comment: This sequence change creates a premature translational stop signal (p.Leu947Trpfs*13) in the BRCA2 gene. It is expected to result in an absent or disrupted protein product. Loss-of-function variants in BRCA2 are known to be pathogenic (PMID: 20104584). This variant is not present in population databases (gnomAD no frequency). This variant has not been reported in the literature in individuals affected with BRCA2-related conditions. ClinVar contains an entry for this variant (Variation ID: 96784). For these reasons, this variant has been classified as Pathogenic.

Ambry Genetics
Classification: Pathogenic for Hereditary cancer-predisposing syndrome. Last evaluated: 2021-12-02. Review status: criteria provided, single submitter. Criteria: Ambry Variant Classification Scheme 2023. Collection method: clinical testing. Allele origin: germline. Not counted in ClinVar's aggregate classification.
Comment: The c.2840delT pathogenic mutation, located in coding exon 10 of the BRCA2 gene, results from a deletion of one nucleotide at nucleotide position 2840, causing a translational frameshift with a predicted alternate stop codon (p.L947Wfs*13). This variant is considered to be rare based on population cohorts in the Genome Aggregation Database (gnomAD). This alteration is expected to result in loss of function by premature protein truncation or nonsense-mediated mRNA decay. As such, this alteration is interpreted as a disease-causing mutation.

Quest Diagnostics Nichols Institute San Juan Capistrano
Classification: Pathogenic. Last evaluated: 2016-09-23. Review status: criteria provided, single submitter. Criteria: Quest Diagnostics criteria. Collection method: clinical testing. Allele origin: germline. Not counted in ClinVar's aggregate classification.

Sharing Clinical Reports Project (SCRP)
Classification: Pathogenic for Breast-ovarian cancer, familial 2. Last evaluated: 2012-02-28. Review status: no assertion criteria provided. Collection method: clinical testing. Allele origin: germline. Not counted in ClinVar's aggregate classification.

Literature cited by the submitters: PubMed 20104584 (cited by Labcorp Genetics (formerly Invitae), Labcorp).

NM_000059.4(BRCA2):c.2840del (p.Leu947fs)

Gene: BRCA2 (BRCA2 DNA repair associated; plus strand). Cytogenetic location: 13q13.1.
Variant type: Deletion.
Coding change: c.2840del on transcript NM_000059.4 (MANE Select); coding-DNA position 2840, one base deleted (T; older notation c.2840delT).
Protein change: p.Leu947fs; shifts the reading frame from leucine 947.
Molecular consequence: frameshift variant.
Genome position (GRCh38, 1-based): chr13:32,337,195, T deleted; the last of 3 consecutive T bases (chr13:32,337,193-32,337,195); deleting any one gives the same sequence. VCF-style (leftmost placement, unchanged base first): chr13-32337192-AT-A. GRCh37 (hg19) VCF-style: chr13-32911329-AT-A.
Other names: 3068delT; c.2840delT (NM_000059.3).
Identifiers: ClinVar variation 96784 (VCV000096784.11), dbSNP rs431825300, ClinGen allele CA016591.
Genomic context (GRCh38, chr13:32,337,192, plus strand): 5'-CCATGGTTTTATATGGAGACACAGGTGATAAACAAGCAACCCAAGTGTCAATTAAAAAAG[AT>A]TTGGTTTATGTTCTTGCAGAGGAGAACAAAAATAGTGTAAAGCAGCATATAAAAATGACT-3'